The following is an entry in ClinVar:

ClinVar aggregate classification (germline): Uncertain significance. Review status: criteria provided, multiple submitters, no conflicts (2 of 4 stars). 2 submissions from 2 submitters: Uncertain significance (2). Last evaluated 2023-06-05.

Conditions:
Oligodontia-cancer predisposition syndrome. Also called: TOOTH AGENESIS-COLORECTAL CANCER SYNDROME. Identifiers: Orphanet 300576, MedGen C1837750, MONDO:0012075, OMIM 608615. Disease mechanism: loss of function.
Hereditary cancer-predisposing syndrome. Also called: Tumor predisposition; Neoplastic Syndromes, Hereditary; Hereditary neoplastic syndrome; Hereditary Cancer Syndrome. Identifiers: Orphanet 140162, MedGen C0027672, MeSH D009386, MONDO:0015356.

Allele frequency attached by ClinVar (database versions not stated): gnomAD exomes below 0.00001.

Submissions (2):

Ambry Genetics
Classification: Uncertain significance for Hereditary cancer-predisposing syndrome. Last evaluated: 2023-06-05. Review status: criteria provided, single submitter. Criteria: Ambry Variant Classification Scheme 2023. Collection method: clinical testing. Allele origin: germline.
Comment: The p.F98S variant (also known as c.293T>C), located in coding exon 1 of the AXIN2 gene, results from a T to C substitution at nucleotide position 293. The phenylalanine at codon 98 is replaced by serine, an amino acid with highly dissimilar properties. This amino acid position is highly conserved in available vertebrate species. In addition, the in silico prediction for this alteration is inconclusive. Since supporting evidence is limited at this time, the clinical significance of this alteration remains unclear.

Labcorp Genetics (formerly Invitae), Labcorp
Classification: Uncertain significance for Oligodontia-cancer predisposition syndrome. Last evaluated: 2019-02-17. Review status: criteria provided, single submitter. Criteria: Invitae Variant Classification Sherloc (09022015). Collection method: clinical testing. Allele origin: germline.
Comment: In summary, the available evidence is currently insufficient to determine the role of this variant in disease. Therefore, it has been classified as a Variant of Uncertain Significance. Algorithms developed to predict the effect of missense changes on protein structure and function (SIFT, PolyPhen-2, Align-GVGD) all suggest that this variant is likely to be disruptive, but these predictions have not been confirmed by published functional studies and their clinical significance is uncertain. This variant has not been reported in the literature in individuals with AXIN2-related conditions. This variant is not present in population databases (ExAC no frequency). This sequence change replaces phenylalanine with serine at codon 98 of the AXIN2 protein (p.Phe98Ser). The phenylalanine residue is highly conserved and there is a large physicochemical difference between phenylalanine and serine.

NM_004655.4(AXIN2):c.293T>C (p.Phe98Ser)

Gene: AXIN2 (axin 2; minus strand). Cytogenetic location: 17q24.1.
Variant type: single nucleotide variant.
Coding change: c.293T>C on transcript NM_004655.4 (MANE Select); coding-DNA position 293, T replaced by C.
Protein change: p.Phe98Ser; replaces phenylalanine 98 with serine.
Molecular consequence: missense variant.
Genome position (GRCh38, 1-based): chr17:65,558,328, A>G on the plus strand (T>C on the coding strand, the complement: AXIN2 is on the minus strand). VCF-style: chr17-65558328-A-G. GRCh37 (hg19) VCF-style: chr17-63554446-A-G.
Other names: c.293T>C, p.Phe98Ser (NM_001363813.1); short protein forms F98S.
Identifiers: ClinVar variation 850112 (VCV000850112.12), dbSNP rs2044304683, ClinGen allele CA400681722.
Genomic context (GRCh38, chr17:65,558,328, plus strand): 5'-CTGAATCCATTGCAGGCAAACCAGAAGTCTAAGGTATCCACGCATTTCTCCCTCTCCAGG[A>G]AAGTTCGGAACAGGTAAGCACCGTCTTGATCGCCCAATAAGGAGTGTAAGGACTTGGTCC-3'
Protein context (NP_004646.3, residues 88-108): DQDGAYLFRT[Phe98Ser]LEREKCVDTL